The following is an entry in ClinVar:

ClinVar aggregate classification (germline): Uncertain significance. Review status: criteria provided, multiple submitters, no conflicts (2 of 4 stars). 2 submissions from 2 submitters: Uncertain significance (2). Last evaluated 2022-07-20.

Conditions:
Inborn genetic diseases. Identifiers: MedGen C0950123, MeSH D030342.
Mucopolysaccharidosis, MPS-III-B (MPS3B). Also called: N-ACETYL-ALPHA-D-GLUCOSAMINIDASE DEFICIENCY; NAGLU DEFICIENCY; SANFILIPPO SYNDROME B; MPS III B; MPS IIIB (Sanfilippo Syndrome Type B); MUCOPOLYSACCHARIDOSIS, TYPE IIIB. Identifiers: Orphanet 79270, MedGen C0086648, MONDO:0009656, OMIM 252920.
Charcot-Marie-Tooth disease axonal type 2V. Also called: CHARCOT-MARIE-TOOTH NEUROPATHY, TYPE 2V; CHARCOT-MARIE-TOOTH DISEASE, AXONAL, AUTOSOMAL DOMINANT, TYPE 2V. Identifiers: Orphanet 447964, MedGen C5569050, MONDO:0014665, OMIM 616491.

Allele frequency attached by ClinVar (database versions not stated): gnomAD exomes below 0.00001 and 0.00005; gnomAD 0.00003 and 0.00009; TOPMed 0.00011.
gnomAD v4.1: 82 of 1,600,556 alleles (0.0051%); highest among the groups gnomAD compares: Non-Finnish European, 0.0061%; no homozygotes.

Submissions (2):

Labcorp Genetics (formerly Invitae), Labcorp
Classification: Uncertain significance for Charcot-Marie-Tooth disease axonal type 2V; Mucopolysaccharidosis, MPS-III-B. Last evaluated: 2022-07-20. Review status: criteria provided, single submitter. Criteria: Invitae Variant Classification Sherloc (09022015). Collection method: clinical testing. Allele origin: germline.
Comment: This sequence change replaces alanine, which is neutral and non-polar, with threonine, which is neutral and polar, at codon 492 of the NAGLU protein (p.Ala492Thr). The frequency data for this variant in the population databases is considered unreliable, as metrics indicate poor data quality at this position in the gnomAD database. This variant has not been reported in the literature in individuals affected with NAGLU-related conditions. ClinVar contains an entry for this variant (Variation ID: 1428166). Advanced modeling of protein sequence and biophysical properties (such as structural, functional, and spatial information, amino acid conservation, physicochemical variation, residue mobility, and thermodynamic stability) performed at Invitae indicates that this missense variant is not expected to disrupt NAGLU protein function. In summary, the available evidence is currently insufficient to determine the role of this variant in disease. Therefore, it has been classified as a Variant of Uncertain Significance.

Ambry Genetics
Classification: Uncertain significance for Inborn genetic diseases. Last evaluated: 2022-05-26. Review status: criteria provided, single submitter. Criteria: Ambry Variant Classification Scheme 2023. Collection method: clinical testing. Allele origin: germline.

NM_000263.4(NAGLU):c.1474G>A (p.Ala492Thr)

Gene: NAGLU (N-acetyl-alpha-glucosaminidase; plus strand). Cytogenetic location: 17q21.2.
Variant type: single nucleotide variant.
Coding change: c.1474G>A on transcript NM_000263.4 (MANE Select); coding-DNA position 1474, G replaced by A.
Protein change: p.Ala492Thr; replaces alanine 492 with threonine.
Molecular consequence: missense variant.
Genome position (GRCh38, 1-based): chr17:42,543,480, G>A. VCF-style: chr17-42543480-G-A. GRCh37 (hg19) VCF-style: chr17-40695498-G-A.
Other names: c.1474G>A (NM_000263.3); short protein forms A492T.
Identifiers: ClinVar variation 1428166 (VCV001428166.6), dbSNP rs930823153, ClinGen allele CA290780598.